The following is an entry in ClinVar:

ClinVar aggregate classification (germline): Uncertain significance (1 of 4 stars; one submission).

Conditions:
Inborn genetic diseases. Identifiers: MedGen C0950123, MeSH D030342.

Submission:

Ambry Genetics
Classification: Uncertain significance for Inborn genetic diseases. Last evaluated: 2025-01-31. Review status: criteria provided, single submitter. Criteria: Ambry Variant Classification Scheme 2023. Collection method: clinical testing. Allele origin: germline.
Comment: The p.V809A variant (also known as c.2426T>C), located in coding exon 20 of the DNMT3A gene, results from a T to C substitution at nucleotide position 2426. The valine at codon 809 is replaced by alanine, an amino acid with similar properties. This amino acid position is conserved. In addition, this alteration is predicted to be tolerated by in silico analysis. Based on the available evidence, the clinical significance of this variant remains unclear.

NM_022552.5(DNMT3A):c.2426T>C (p.Val809Ala)

Gene: DNMT3A (DNA methyltransferase 3 alpha; minus strand). Cytogenetic location: 2p23.3.
Variant type: single nucleotide variant.
Coding change: c.2426T>C on transcript NM_022552.5 (MANE Select); coding-DNA position 2426, T replaced by C.
Protein change: p.Val809Ala; replaces valine 809 with alanine.
Molecular consequence: missense variant. On other transcripts: non-coding transcript variant (1).
Genome position (GRCh38, 1-based): chr2:25,236,988, A>G on the plus strand (T>C on the coding strand, the complement: DNMT3A is on the minus strand). VCF-style: chr2-25236988-A-G. GRCh37 (hg19) VCF-style: chr2-25459857-A-G.
Other names: c.1970T>C, p.Val657Ala (NM_001320893.1); c.1757T>C, p.Val586Ala (NM_001375819.1); c.1859T>C, p.Val620Ala (NM_153759.3); c.2426T>C, p.Val809Ala (NM_175629.2); short protein forms V620A, V809A, V586A, V657A.
Identifiers: ClinVar variation 3841773 (VCV003841773.1).